The following is an entry in ClinVar:

NM_015102.5(NPHP4):c.1942C>T (p.Leu648Phe)

Gene: NPHP4 (nephrocystin 4; minus strand). Cytogenetic location: 1p36.31.
Variant type: single nucleotide variant.
Coding change: c.1942C>T on transcript NM_015102.5 (MANE Select); coding-DNA position 1942, C replaced by T.
Protein change: p.Leu648Phe; replaces leucine 648 with phenylalanine.
Molecular consequence: missense variant. On other transcripts: non-coding transcript variant (1).
Genome position (GRCh38, 1-based): chr1:5,905,305, G>A on the plus strand (C>T on the coding strand, the complement: NPHP4 is on the minus strand). VCF-style: chr1-5905305-G-A. GRCh37 (hg19) VCF-style: chr1-5965365-G-A.
Other names: c.403C>T, p.Leu135Phe (NM_001291593.2); c.406C>T, p.Leu136Phe (NM_001291594.2); short protein forms L136F, L648F, L135F.
Identifiers: ClinVar variation 4987606 (VCV004987606.1).

ClinVar aggregate classification (germline): Uncertain significance (1 of 4 stars; one submission).

Conditions:
NPHP4-related disorder. Also called: NPHP4-related condition; NPHP4-related disorders. Identifiers: MedGen CN239384.

gnomAD v4.1: 24 of 1,612,768 alleles (0.0015%); highest among the groups gnomAD compares: Non-Finnish European, 0.0018%; no homozygotes.

Submission:

PreventionGenetics, part of Exact Sciences
Classification: Uncertain significance for NPHP4-related condition. Last evaluated: 2025-07-29. Review status: criteria provided, single submitter. Criteria: ACMG Guidelines, 2015. Collection method: clinical testing. Allele origin: germline.
Comment: The NPHP4 c.1942C>T variant is predicted to result in the amino acid substitution p.Leu648Phe. To our knowledge, this variant has not been reported in the literature. This variant is reported in 0.0044% of alleles in individuals of European (Non-Finnish) descent in gnomAD. At this time, the clinical significance of this variant is uncertain due to the absence of conclusive functional and genetic evidence.